The following is an entry in ClinVar:

ClinVar aggregate classification (germline): Uncertain significance (1 of 4 stars; one submission).

Conditions:
Malignant hyperthermia, susceptibility to, 1 (MHS1). Also called: Anesthesia related hyperthermia; Malignant hyperpyrexia; Fulminating hyperpyrexia; Pharmacogenic myopathy; RYR1-Related Malignant Hyperthermia Susceptibility; Malignant hyperthermia suceptibility 1. Identifiers: Orphanet 423, MedGen C2930980, MONDO:0007783, OMIM 145600.

Allele frequency attached by ClinVar (database versions not stated): gnomAD exomes below 0.00001.
gnomAD v4.1: 1 of 1,614,094 alleles (0.000062%); highest among the groups gnomAD compares: East Asian, 0.0022%; no homozygotes.

Submission:

All of Us Research Program, National Institutes of Health
Classification: Uncertain significance for Malignant hyperthermia, susceptibility to, 1. Last evaluated: 2023-06-08. Review status: criteria provided, single submitter. Criteria: ACMG Guidelines, 2015. Collection method: clinical testing. Allele origin: germline. Inheritance: Autosomal dominant inheritance. Observed: 1 variant allele, 1 heterozygote.
Comment: This variant is located in the RYR1 protein. To our knowledge, functional studies have not been reported for this variant. This variant has not been reported in individuals affected with RYR1-related disorders in the literature. This variant has not been identified in the general population by the Genome Aggregation Database (gnomAD). The available evidence is insufficient to determine the role of this variant in disease conclusively. Therefore, this variant is classified as a Variant of Uncertain Significance.

This study involves interpretation of variants in research participants for the purpose of population health screening. Participant phenotype was not available at the time of variant classification. Additional details can be found in publication PMID: 35346344, PMCID: PMC8962531

NM_000540.3(RYR1):c.8070A>G (p.Lys2690=)

Gene: RYR1 (ryanodine receptor 1; plus strand). Cytogenetic location: 19q13.2.
Variant type: single nucleotide variant.
Coding change: c.8070A>G on transcript NM_000540.3 (MANE Select); coding-DNA position 8070, A replaced by G.
Protein change: p.Lys2690=; no amino-acid change (lysine 2690 retained).
Molecular consequence: synonymous variant.
Genome position (GRCh38, 1-based): chr19:38,504,750, A>G. VCF-style: chr19-38504750-A-G. GRCh37 (hg19) VCF-style: chr19-38995390-A-G.
Other names: c.8070A>G, p.Lys2690= (NM_001042723.2).
Identifiers: ClinVar variation 3071484 (VCV003071484.1), dbSNP rs2514354122, ClinGen allele CA507244295.